The following is an entry in ClinVar:

NM_003073.5(SMARCB1):c.520G>T (p.Ala174Ser)

Gene: SMARCB1 (SWI/SNF related BAF chromatin remodeling complex subunit B1; plus strand). Cytogenetic location: 22q11.23.
Variant type: single nucleotide variant.
Coding change: c.520G>T on transcript NM_003073.5 (MANE Select); coding-DNA position 520, G replaced by T.
Protein change: p.Ala174Ser; replaces alanine 174 with serine.
Molecular consequence: missense variant.
Genome position (GRCh38, 1-based): chr22:23,803,314, G>T. VCF-style: chr22-23803314-G-T. GRCh37 (hg19) VCF-style: chr22-24145501-G-T.
Other names: c.520G>T (LRG_520t1); c.493G>T, p.Ala165Ser (NM_001007468.3); c.547G>T, p.Ala183Ser (NM_001317946.2); c.574G>T, p.Ala192Ser (NM_001362877.2); short protein forms A174S, A165S, A192S, A183S.
Identifiers: ClinVar variation 486502 (VCV000486502.14), dbSNP rs746433763, ClinGen allele CA10145988.

ClinVar aggregate classification (germline): Conflicting classifications of pathogenicity. Review status: criteria provided, conflicting classifications (1 of 4 stars). 2 submissions from 2 submitters: Uncertain significance (1); Likely benign (1). Last evaluated 2025-12-23.

Conditions:
Hereditary cancer-predisposing syndrome. Also called: Tumor predisposition; Hereditary Cancer Syndrome; Hereditary neoplastic syndrome; Neoplastic Syndromes, Hereditary. Identifiers: Orphanet 140162, MedGen C0027672, MeSH D009386, MONDO:0015356.

Allele frequency attached by ClinVar (database versions not stated): gnomAD exomes below 0.00001 and 0.00001; ExAC 0.00001; gnomAD 0.00001 and 0.00002; TOPMed 0.00004.
gnomAD v4.1: 5 of 1,614,056 alleles (0.00031%); highest among the groups gnomAD compares: African/African-American, 0.0067%; no homozygotes.

Submissions (2):

Labcorp Genetics (formerly Invitae), Labcorp
Classification: Uncertain significance. Last evaluated: 2025-12-23. Review status: criteria provided, single submitter. Criteria: Invitae Variant Classification Sherloc (09022015). Collection method: clinical testing. Allele origin: germline.
Comment: This sequence change replaces alanine, which is neutral and non-polar, with serine, which is neutral and polar, at codon 174 of the SMARCB1 protein (p.Ala174Ser). This variant is present in population databases (rs746433763, gnomAD 0.01%). This variant has not been reported in the literature in individuals affected with SMARCB1-related conditions. ClinVar contains an entry for this variant (Variation ID: 486502). Invitae Evidence Modeling of protein sequence and biophysical properties (such as structural, functional, and spatial information, amino acid conservation, physicochemical variation, residue mobility, and thermodynamic stability) indicates that this missense variant is not expected to disrupt SMARCB1 protein function with a negative predictive value of 80%. In summary, the available evidence is currently insufficient to determine the role of this variant in disease. Therefore, it has been classified as a Variant of Uncertain Significance.

Ambry Genetics
Classification: Likely benign for Hereditary cancer-predisposing syndrome. Last evaluated: 2023-10-18. Review status: criteria provided, single submitter. Criteria: Ambry Variant Classification Scheme 2023. Collection method: clinical testing. Allele origin: germline.